The following is an entry in ClinVar:

NM_144997.7(FLCN):c.1708C>T (p.Arg570Cys)

Gene: FLCN (folliculin; minus strand). Cytogenetic location: 17p11.2.
Variant type: single nucleotide variant.
Coding change: c.1708C>T on transcript NM_144997.7 (MANE Select); coding-DNA position 1708, C replaced by T.
Protein change: p.Arg570Cys; replaces arginine 570 with cysteine.
Molecular consequence: missense variant.
Genome position (GRCh38, 1-based): chr17:17,213,687, G>A on the plus strand (C>T on the coding strand, the complement: FLCN is on the minus strand). VCF-style: chr17-17213687-G-A. GRCh37 (hg19) VCF-style: chr17-17117001-G-A.
Other names: c.1762C>T, p.Arg588Cys (NM_001353229.2); c.1708C>T, p.Arg570Cys (NM_001353230.2, NM_001353231.2); short protein forms R570C, R588C.
Identifiers: ClinVar variation 819901 (VCV000819901.12), dbSNP rs752161850, ClinGen allele CA8415912.

ClinVar aggregate classification (germline): Uncertain significance. Review status: criteria provided, multiple submitters, no conflicts (2 of 4 stars). 3 submissions from 3 submitters: Uncertain significance (3). Last evaluated 2025-03-04.

Conditions:
Hereditary cancer-predisposing syndrome. Also called: Hereditary Cancer Syndrome; Neoplastic Syndromes, Hereditary; Hereditary neoplastic syndrome; Tumor predisposition. Identifiers: Orphanet 140162, MedGen C0027672, MeSH D009386, MONDO:0015356.
Birt-Hogg-Dube syndrome. Also called: Birt Hogg Dubé syndrome. Identifiers: Orphanet 122, MedGen C0346010, MONDO:0800444.

Allele frequency attached by ClinVar (database versions not stated): gnomAD exomes below 0.00001 and 0.00001; ExAC 0.00001; TOPMed 0.00002.
gnomAD v4.1: 4 of 1,614,182 alleles (0.00025%); highest among the groups gnomAD compares: East Asian, 0.0022%; no homozygotes.

Submissions (3):

Center for Genomic Medicine, Rigshospitalet, Copenhagen University Hospital
Classification: Uncertain significance. Last evaluated: 2025-03-04. Review status: criteria provided, single submitter. Criteria: ACMG Guidelines, 2015. Collection method: clinical testing. Allele origin: germline.

Labcorp Genetics (formerly Invitae), Labcorp
Classification: Uncertain significance for Birt-Hogg-Dube syndrome. Last evaluated: 2024-10-17. Review status: criteria provided, single submitter. Criteria: Invitae Variant Classification Sherloc (09022015). Collection method: clinical testing. Allele origin: germline.
Comment: This sequence change replaces arginine, which is basic and polar, with cysteine, which is neutral and slightly polar, at codon 570 of the FLCN protein (p.Arg570Cys). This variant is present in population databases (rs752161850, gnomAD 0.0009%). This variant has not been reported in the literature in individuals affected with FLCN-related conditions. ClinVar contains an entry for this variant (Variation ID: 819901). An algorithm developed to predict the effect of missense changes on protein structure and function (PolyPhen-2) suggests that this variant is likely to be disruptive. In summary, the available evidence is currently insufficient to determine the role of this variant in disease. Therefore, it has been classified as a Variant of Uncertain Significance.

Ambry Genetics
Classification: Uncertain significance for Hereditary cancer-predisposing syndrome. Last evaluated: 2024-06-18. Review status: criteria provided, single submitter. Criteria: Ambry Variant Classification Scheme 2023. Collection method: clinical testing. Allele origin: germline.
Comment: The p.R570C variant (also known as c.1708C>T), located in coding exon 11 of the FLCN gene, results from a C to T substitution at nucleotide position 1708. The arginine at codon 570 is replaced by cysteine, an amino acid with highly dissimilar properties. This amino acid position is highly conserved in available vertebrate species. In addition, the in silico prediction for this alteration is inconclusive. Since supporting evidence is limited at this time, the clinical significance of this alteration remains unclear.